The following is an entry in ClinVar:

NM_001009944.3(PKD1):c.8753_8756del (p.Ala2918fs)

Gene: PKD1 (polycystin 1, transient receptor potential channel interacting; minus strand). Cytogenetic location: 16p13.3.
Variant type: Deletion.
Coding change: c.8753_8756del on transcript NM_001009944.3 (MANE Select); coding-DNA positions 8753 to 8756, 4 bases deleted (CCGG; older notation c.8753_8756delCCGG).
Protein change: p.Ala2918fs; shifts the reading frame from alanine 2918.
Molecular consequence: frameshift variant.
Genome position (GRCh38, 1-based): chr16:2,103,301-2,103,304, CCGG deleted on the plus strand (CCGG on the coding strand, the reverse complement: PKD1 is on the minus strand); deleting any 4 consecutive bases within chr16:2,103,301-2,103,307 gives the same sequence; the c. name uses the placement nearest the transcript's 3' end. VCF-style (leftmost placement, unchanged base first): chr16-2103300-CCCGG-C. GRCh37 (hg19) VCF-style: chr16-2153301-CCCGG-C.
Other names: c.8753_8756del, p.Ala2918fs (NM_000296.4); short protein forms A2918fs.
Identifiers: ClinVar variation 4531550 (VCV004531550.1).

ClinVar aggregate classification (germline): Pathogenic (1 of 4 stars; one submission).

Conditions:
Polycystic kidney disease, adult type (PKD1). Also called: Polycystic Kidney, Autosomal Dominant; POLYCYSTIC KIDNEY DISEASE, ADULT, TYPE I; Polycystic Kidney Disease 1, Autosomal Dominant; Polycystic kidney disease 1; Polycystic kidney disease 1, severe; POLYCYSTIC KIDNEY DISEASE 1 WITH OR WITHOUT POLYCYSTIC LIVER DISEASE. Identifiers: MedGen C3149841, MONDO:0008263, OMIM 173900.

Submission:

Victorian Clinical Genetics Services, Murdoch Childrens Research Institute
Classification: Pathogenic for Polycystic kidney disease, adult type. Last evaluated: 2025-04-29. Review status: criteria provided, single submitter. Criteria: ACMG Guidelines, 2015. Collection method: clinical testing. Allele origin: germline. Affected: yes.
Comment: This variant is classified as Pathogenic. Evidence in support of pathogenic classification: Variant is predicted to cause nonsense-mediated decay (NMD) and loss of protein (premature termination codon is located at least 54 nucleotides upstream of the final exon-exon junction); Variant is absent from gnomAD (v2, v3 and v4); Other NMD-predicted variant(s) comparable to the one identified in this case have very strong previous evidence for pathogenicity (DECIPHER). Additional information: This variant is heterozygous; This gene is associated with autosomal dominant disease. Polycystic kidney disease 1 (MIM#173900) is predominantly caused by monoallelic variants, with rare reports of biallelic variants causing disease (OMIM); Loss of function is a known mechanism of disease in this gene and is associated with polycystic kidney disease 1 (MIM#173900); Inheritance information for this variant is not currently available in this individual.